The following is an entry in ClinVar:

ClinVar aggregate classification (germline): Uncertain significance (1 of 4 stars; one submission).

Conditions:
Charcot-Marie-Tooth disease axonal type 2O. Also called: CHARCOT-MARIE-TOOTH NEUROPATHY, AXONAL, TYPE 2O; CHARCOT-MARIE-TOOTH DISEASE, AXONAL, AUTOSOMAL DOMINANT, TYPE 2O; Charcot-Marie-Tooth Neuropathy Type 2O; Charcot-Marie-Tooth disease, axonal, type 20. Identifiers: Orphanet 284232, MedGen C3280220, MONDO:0013644, OMIM 614228.

Submission:

Labcorp Genetics (formerly Invitae), Labcorp
Classification: Uncertain significance for Charcot-Marie-Tooth disease axonal type 2O. Last evaluated: 2024-04-29. Review status: criteria provided, single submitter. Criteria: Invitae Variant Classification Sherloc (09022015). Collection method: clinical testing. Allele origin: germline.
Comment: This sequence change replaces alanine, which is neutral and non-polar, with valine, which is neutral and non-polar, at codon 2351 of the DYNC1H1 protein (p.Ala2351Val). This variant is not present in population databases (gnomAD no frequency). This variant has not been reported in the literature in individuals affected with DYNC1H1-related conditions. Advanced modeling of protein sequence and biophysical properties (such as structural, functional, and spatial information, amino acid conservation, physicochemical variation, residue mobility, and thermodynamic stability) performed at Invitae indicates that this missense variant is expected to disrupt DYNC1H1 protein function with a positive predictive value of 95%. In summary, the available evidence is currently insufficient to determine the role of this variant in disease. Therefore, it has been classified as a Variant of Uncertain Significance.

NM_001376.5(DYNC1H1):c.7052C>T (p.Ala2351Val)

Gene: DYNC1H1 (dynein cytoplasmic 1 heavy chain 1; plus strand). Cytogenetic location: 14q32.31.
Variant type: single nucleotide variant.
Coding change: c.7052C>T on transcript NM_001376.5 (MANE Select); coding-DNA position 7052, C replaced by T.
Protein change: p.Ala2351Val; replaces alanine 2351 with valine.
Molecular consequence: missense variant.
Genome position (GRCh38, 1-based): chr14:102,015,142, C>T. VCF-style: chr14-102015142-C-T. GRCh37 (hg19) VCF-style: chr14-102481479-C-T.
Other names: short protein forms A2351V.
Identifiers: ClinVar variation 3015082 (VCV003015082.3), dbSNP rs2503765016, ClinGen allele CA391059811.